The following continues an entry in ClinVar:

NM_000179.3(MSH6):c.1444C>T (p.Arg482Ter)

Gene: MSH6. ClinVar aggregate classification (germline): Pathogenic. Pathogenic (1).

Submissions 13 to 23 of 23:

Laboratorio de Genetica e Diagnostico Molecular, Hospital Israelita Albert Einstein
Classification: Pathogenic for Endometrial carcinoma. Last evaluated: 2022-11-05. Review status: criteria provided, single submitter. Criteria: ACMG Guidelines, 2015. Collection method: clinical testing. Allele origin: germline. Affected: yes. Observed: 1 variant allele. Not counted in ClinVar's aggregate classification.
Comment: ACMG classification criteria: PVS1 very strong, PS4 strong, PM2 moderated

Baylor Genetics
Classification: Pathogenic for Endometrial carcinoma. Last evaluated: 2022-10-26. Review status: criteria provided, single submitter. Criteria: ACMG Guidelines, 2015. Collection method: clinical testing. Allele origin: unknown. Not counted in ClinVar's aggregate classification.

Clinical Genetics Laboratory, Skane University Hospital Lund
Classification: Pathogenic. Last evaluated: 2022-05-27. Review status: criteria provided, single submitter. Criteria: ACMG Guidelines, 2015. Collection method: clinical testing. Allele origin: germline. Affected: yes. Not counted in ClinVar's aggregate classification.

Revvity Omics, Revvity
Classification: Pathogenic. Last evaluated: 2022-05-25. Review status: criteria provided, single submitter. Criteria: ACMG Guidelines, 2015. Collection method: clinical testing. Allele origin: germline. Not counted in ClinVar's aggregate classification.

GeneDx
Classification: Pathogenic. Last evaluated: 2021-10-28. Review status: criteria provided, single submitter. Criteria: GeneDx Variant Classification Process June 2021. Collection method: clinical testing. Allele origin: germline. Affected: yes. Not counted in ClinVar's aggregate classification.
Comment: Nonsense variant predicted to result in protein truncation or nonsense mediated decay in a gene for which loss-of-function is a known mechanism of disease; Not observed at significant frequency in large population cohorts (Lek 2016); Truncating variants in this gene are considered pathogenic by a well-established clinical consortium and/or database; Observed in multiple individuals with Lynch syndrome-associated cancers, including colon cancers which demonstrate absence of MSH6 protein by immunohistochemistry (Hendriks 2004, Nilbert 2009, Baglietto 2010, Sjursen 2010, Klarskov 2011, Okkels 2012, Therkildsen 2015, Yurgelun 2015, Young 2018); This variant is associated with the following publications: (PMID: 28460341, 15236168, 20587412, 18566915, 25648859, 25980754, 22495361, 25525159, 20028993, 19575290, 18415027, 26517685, 27013479, 21836479, 29945567, 32710294, 31297992, 30291343, 32832836, 32794656)

Women's Health and Genetics/Laboratory Corporation of America, LabCorp
Classification: Pathogenic for Hereditary nonpolyposis colon cancer. Last evaluated: 2016-02-02. Review status: criteria provided, single submitter. Criteria: LabCorp Variant Classification Summary - May 2015. Collection method: clinical testing. Allele origin: germline. Not counted in ClinVar's aggregate classification.

Genesis Genomics
Classification: Pathogenic for Lynch syndrome 5. Review status: criteria provided, single submitter. Criteria: ACMG Guidelines, 2015. Collection method: clinical testing. Allele origin: germline. Affected: yes. Observed: 1 variant allele. Not counted in ClinVar's aggregate classification.

Juno Genomics, Hangzhou Juno Genomics, Inc
Classification: Pathogenic for Lynch syndrome 5. Review status: criteria provided, single submitter. Criteria: ACMG Guidelines, 2015. Collection method: clinical testing. Allele origin: germline. Not counted in ClinVar's aggregate classification.
Comment: Null variant in a gene where loss of function (LOF) is a known mechanism of disease.;Patient's phenotype or family history is highly specific for a disease with a single genetic etiology.

CZECANCA consortium
Classification: Pathogenic for Endometrial carcinoma. Last evaluated: 2023-02-21. Review status: no assertion criteria provided. Collection method: clinical testing. Allele origin: germline. Affected: yes. Observed: 1 variant allele. Not counted in ClinVar's aggregate classification.

Counsyl
Classification: Pathogenic for Lynch syndrome 5. Last evaluated: 2016-11-09. Review status: no assertion criteria provided. Collection method: clinical testing. Allele origin: unknown. Not counted in ClinVar's aggregate classification.

Department of Pathology and Laboratory Medicine, Sinai Health System
Classification: Pathogenic for Carcinoma of colon. Review status: no assertion criteria provided. Collection method: clinical testing. Allele origin: unknown. Affected: yes. Observed: 1 variant allele. Study: The Canadian Open Genetics Repository (COGR). Not counted in ClinVar's aggregate classification.
Comment: The MSH6 p.Arg482X variant was identified in 6 of 3135 proband chromosomes (frequency: 0.002) from individuals or families with CRC and prostate cancer (Hendriks 2004, Nilbert 2008, Dominguez-Valentin 2016). The variant was also identified in dbSNP (ID: rs63750909) as â€šÃ„ÃºWith Pathogenic alleleâ€šÃ„Ã¹ ,ClinVar (5x, as pathogenic, by InSight, Invitae, GeneDx, Counsyl, Ambry Genetics), Clinvitae (3x, as pathogenic, by ClinVar and Clinvitae), Cosmic (as pathogenic), UMD-LSDB (8 records, as causal), Insight Colon Cancer Gene Variant Database (4x, as class 5, pathogenic), Mismatch Repair Genes Variant Database (2x as pathogenic), Insight Hereditary Tumors Database (5x , as class 5, "affects functionâ€šÃ„Ã¹). The variant was not identified in MutDB, GeneInsight-COGR, Zhejiang Colon Cancer databases. The variant was identified in control databases in 1 of 30956 chromosomes at a frequency of 0.000032 in East Asian population (Genome Aggregation Consortium Feb 27, 2017). The p.Arg482X variant leads to a premature stop codon at position 482, which is predicted to lead to a truncated or absent protein and loss of function.4. Loss of function variants of the MSH6 gene are an established mechanism of disease in colorectal cancer and is the type of variant expected to cause the disorder. In summary, based on the above information this variant meets our laboratoryâ€šÃ„Ã´s criteria to be classified as pathogenic.

Literature cited by the submitters: PubMed 18269114 (cited by Labcorp Genetics (formerly Invitae), Labcorp and All of Us Research Program, National Institutes of Health); PubMed 24362816 (cited by Labcorp Genetics (formerly Invitae), Labcorp); PubMed 15236168 (cited by 5 submitters); PubMed 20028993 (cited by Labcorp Genetics (formerly Invitae), Labcorp and Color Diagnostics, LLC DBA Color Health); PubMed 20587412 (cited by 3 submitters); PubMed 21836479 (cited by Labcorp Genetics (formerly Invitae), Labcorp and Counsyl); PubMed 22495361 (cited by 5 submitters); PubMed 19575290 (cited by 3 submitters); PubMed 28460341 (cited by Color Diagnostics, LLC DBA Color Health and Ambry Genetics); PubMed 18566915 (cited by 4 submitters); PubMed 26437257 (cited by All of Us Research Program, National Institutes of Health); PubMed 26517685 (cited by All of Us Research Program, National Institutes of Health); PubMed 27601186 (cited by All of Us Research Program, National Institutes of Health); PubMed 29345684 (cited by All of Us Research Program, National Institutes of Health); PubMed 30376427 (cited by All of Us Research Program, National Institutes of Health).